The following is an entry in ClinVar:

NM_001044.5(SLC6A3):c.34T>C (p.Ser12Pro)

Gene: SLC6A3 (solute carrier family 6 member 3). Cytogenetic location: 5p15.33.
Variant type: single nucleotide variant.
Coding change: c.34T>C on transcript NM_001044.5 (MANE Select); coding-DNA position 34, T replaced by C.
Protein change: p.Ser12Pro; replaces serine 12 with proline.
Molecular consequence: missense variant.
Genome position (GRCh38, 1-based): chr5:1,443,164, A>G on the plus strand (T>C on the coding strand, the complement: SLC6A3 is on the minus strand). VCF-style: chr5-1443164-A-G. GRCh37 (hg19) VCF-style: chr5-1443279-A-G.
Other names: short protein forms S12P.
Identifiers: ClinVar variation 645067 (VCV000645067.10), dbSNP rs149180162, ClinGen allele CA3186502.

ClinVar aggregate classification (germline): Uncertain significance. Review status: criteria provided, multiple submitters, no conflicts (2 of 4 stars). 2 submissions from 2 submitters: Uncertain significance (2). Last evaluated 2025-02-25.

Conditions:
Inborn genetic diseases. Identifiers: MedGen C0950123, MeSH D030342.
Parkinsonism-dystonia, infantile. Identifiers: Orphanet 238455, MedGen C2751067, MONDO:0013150.

Allele frequency attached by ClinVar (database versions not stated): gnomAD exomes 0.00001 and 0.00004; ExAC 0.00002; TOPMed 0.00011; gnomAD 0.00013; ESP Exome Variant Server 0.00031.
gnomAD v4.1: 33 of 1,614,134 alleles (0.002%); highest among the groups gnomAD compares: African/African-American, 0.039%; no homozygotes.

Submissions (2):

Ambry Genetics
Classification: Uncertain significance for Inborn genetic diseases. Last evaluated: 2025-02-25. Review status: criteria provided, single submitter. Criteria: Ambry Variant Classification Scheme 2023. Collection method: clinical testing. Allele origin: germline.

Labcorp Genetics (formerly Invitae), Labcorp
Classification: Uncertain significance for Parkinsonism-dystonia, infantile. Last evaluated: 2024-10-22. Review status: criteria provided, single submitter. Criteria: Invitae Variant Classification Sherloc (09022015). Collection method: clinical testing. Allele origin: germline.
Comment: This sequence change replaces serine, which is neutral and polar, with proline, which is neutral and non-polar, at codon 12 of the SLC6A3 protein (p.Ser12Pro). This variant is present in population databases (rs149180162, gnomAD 0.05%). This variant has not been reported in the literature in individuals affected with SLC6A3-related conditions. ClinVar contains an entry for this variant (Variation ID: 645067). An algorithm developed to predict the effect of missense changes on protein structure and function outputs the following: PolyPhen-2: "Benign". The proline amino acid residue is found in multiple mammalian species, which suggests that this missense change does not adversely affect protein function. In summary, the available evidence is currently insufficient to determine the role of this variant in disease. Therefore, it has been classified as a Variant of Uncertain Significance.